The following is an entry in ClinVar:

NM_015102.5(NPHP4):c.3928G>A (p.Val1310Met)

Gene: NPHP4 (nephrocystin 4; minus strand). Cytogenetic location: 1p36.31.
Variant type: single nucleotide variant.
Coding change: c.3928G>A on transcript NM_015102.5 (MANE Select); coding-DNA position 3928, G replaced by A.
Protein change: p.Val1310Met; replaces valine 1310 with methionine.
Molecular consequence: missense variant. On other transcripts: non-coding transcript variant (1).
Genome position (GRCh38, 1-based): chr1:5,864,406, C>T on the plus strand (G>A on the coding strand, the complement: NPHP4 is on the minus strand). VCF-style: chr1-5864406-C-T. GRCh37 (hg19) VCF-style: chr1-5924466-C-T.
Other names: c.2389G>A, p.Val797Met (NM_001291593.2); c.2392G>A, p.Val798Met (NM_001291594.2); short protein forms V1310M, V798M, V797M.
Identifiers: ClinVar variation 1471549 (VCV001471549.7), dbSNP rs1465549509, ClinGen allele CA338049699.

ClinVar aggregate classification (germline): Uncertain significance (1 of 4 stars; one submission).

Conditions:
Nephronophthisis. Also called: Juvenile Nephronophthisis. Identifiers: Orphanet 655, MedGen C0687120, MONDO:0019005, HP:0000090.

Allele frequency attached by ClinVar (database versions not stated): gnomAD 0.00001; gnomAD exomes 0.00001; TOPMed 0.00001.
gnomAD v4.1: 16 of 1,611,574 alleles (0.00099%); highest among the groups gnomAD compares: Non-Finnish European, 0.0014%; no homozygotes.

Submission:

Labcorp Genetics (formerly Invitae), Labcorp
Classification: Uncertain significance for Nephronophthisis. Last evaluated: 2025-12-18. Review status: criteria provided, single submitter. Criteria: Invitae Variant Classification Sherloc (09022015). Collection method: clinical testing. Allele origin: germline.
Comment: This sequence change replaces valine, which is neutral and non-polar, with methionine, which is neutral and non-polar, at codon 1310 of the NPHP4 protein (p.Val1310Met). This variant is not present in population databases (gnomAD no frequency). This variant has not been reported in the literature in individuals affected with NPHP4-related conditions. ClinVar contains an entry for this variant (Variation ID: 1471549). Invitae Evidence Modeling of protein sequence and biophysical properties (such as structural, functional, and spatial information, amino acid conservation, physicochemical variation, residue mobility, and thermodynamic stability) indicates that this missense variant is expected to disrupt NPHP4 protein function with a positive predictive value of 80%. In summary, the available evidence is currently insufficient to determine the role of this variant in disease. Therefore, it has been classified as a Variant of Uncertain Significance.